The following is an entry in ClinVar:

ClinVar aggregate classification (germline): Uncertain significance (1 of 4 stars; one submission).

Conditions:
Cardiovascular phenotype. Identifiers: MedGen CN230736.

Allele frequency attached by ClinVar (database versions not stated): ExAC 0.00002; TOPMed 0.00002.
gnomAD v4.1: 13 of 1,613,598 alleles (0.00081%); highest among the groups gnomAD compares: Admixed American, 0.022%; no homozygotes.

Submission:

Ambry Genetics
Classification: Uncertain significance for Cardiovascular phenotype. Last evaluated: 2025-10-27. Review status: criteria provided, single submitter. Criteria: Ambry Variant Classification Scheme 2023. Collection method: clinical testing. Allele origin: germline.
Comment: The p.K473T variant (also known as c.1418A>C), located in coding exon 9 of the LPL gene, results from an A to C substitution at nucleotide position 1418. The lysine at codon 473 is replaced by threonine, an amino acid with similar properties. This amino acid position is conserved. In addition, the in silico prediction for this alteration is inconclusive. Since supporting evidence is limited at this time, the clinical significance of this alteration remains unclear.

NM_000237.3(LPL):c.1418A>C (p.Lys473Thr)

Gene: LPL (lipoprotein lipase; plus strand). Cytogenetic location: 8p21.3.
Variant type: single nucleotide variant.
Coding change: c.1418A>C on transcript NM_000237.3 (MANE Select); coding-DNA position 1418, A replaced by C.
Protein change: p.Lys473Thr; replaces lysine 473 with threonine.
Molecular consequence: missense variant.
Genome position (GRCh38, 1-based): chr8:19,962,210, A>C. VCF-style: chr8-19962210-A-C. GRCh37 (hg19) VCF-style: chr8-19819721-A-C.
Other names: short protein forms K473T.
Identifiers: ClinVar variation 2390590 (VCV002390590.3), dbSNP rs752077000, ClinGen allele CA4655735.
Genomic context (GRCh38, chr8:19,962,210, plus strand): 5'-TGCAGAAAGGAAAGGCACCTGCGGTATTTGTGAAATGCCATGACAAGTCTCTGAATAAGA[A>C]GTCAGGCTGGTGAGCATTCTGGGCTAAAGCTGACTGGGCATCCTGAGCTTGCACCCTAAG-3'
Protein context (NP_000228.1, residues 463-475): VKCHDKSLNK[Lys473Thr]SG